The following is an entry in ClinVar:

NM_000038.6(APC):c.7623C>G (p.Ile2541Met)

Gene: APC (APC regulator of Wnt signaling pathway; plus strand). Cytogenetic location: 5q22.2.
Variant type: single nucleotide variant.
Coding change: c.7623C>G on transcript NM_000038.6 (MANE Select); coding-DNA position 7623, C replaced by G.
Protein change: p.Ile2541Met; replaces isoleucine 2541 with methionine.
Molecular consequence: missense variant.
Genome position (GRCh38, 1-based): chr5:112,843,217, C>G. VCF-style: chr5-112843217-C-G. GRCh37 (hg19) VCF-style: chr5-112178914-C-G.
Other names: c.7623C>G, p.Ile2541Met (NM_001127510.3, NM_001354895.2, NM_001407450.1); c.7569C>G, p.Ile2523Met (NM_001127511.3); c.7677C>G, p.Ile2559Met (NM_001354896.2, NM_001407447.1, NM_001407448.1 and 1 more transcripts); c.7653C>G, p.Ile2551Met (NM_001354897.2); c.7548C>G, p.Ile2516Met (NM_001354898.2); c.7539C>G, p.Ile2513Met (NM_001354899.2); c.7500C>G, p.Ile2500Met (NM_001354900.2); c.7446C>G, p.Ile2482Met (NM_001354901.2, NM_001407453.1); and 11 more; short protein forms I2258M, I2513M, I2551M, I2559M, I2381M, I2412M, I2440M, I2458M.
Identifiers: ClinVar variation 2094089 (VCV002094089.4), dbSNP rs2149990789, ClinGen allele CA16037888.
Genomic context (GRCh38, chr5:112,843,217, plus strand): 5'-ACCAGCAAAGCGCCATGATATTGCACGGTCTCATTCTGAAAGTCCTTCTAGACTTCCAAT[C>G]AATAGGTCAGGAACCTGGAAACGTGAGCACAGCAAACATTCATCATCCCTTCCTCGAGTA-3'
Protein context (NP_000029.2, residues 2531-2551): SHSESPSRLP[Ile2541Met]NRSGTWKREH

ClinVar aggregate classification (germline): Uncertain significance (1 of 4 stars; one submission).

Conditions:
Familial adenomatous polyposis 1 (FAP1). Also called: FAMILIAL ADENOMATOUS POLYPOSIS 1, ATTENUATED; POLYPOSIS, ADENOMATOUS INTESTINAL. Identifiers: MedGen C2713442, MONDO:0021056, OMIM 175100. Disease mechanism: loss of function.

Submission:

Labcorp Genetics (formerly Invitae), Labcorp
Classification: Uncertain significance for Familial adenomatous polyposis 1. Last evaluated: 2022-02-06. Review status: criteria provided, single submitter. Criteria: Invitae Variant Classification Sherloc (09022015). Collection method: clinical testing. Allele origin: germline.
Comment: This sequence change replaces isoleucine, which is neutral and non-polar, with methionine, which is neutral and non-polar, at codon 2541 of the APC protein (p.Ile2541Met). In summary, the available evidence is currently insufficient to determine the role of this variant in disease. Therefore, it has been classified as a Variant of Uncertain Significance. Algorithms developed to predict the effect of missense changes on protein structure and function are either unavailable or do not agree on the potential impact of this missense change (SIFT: "Deleterious"; PolyPhen-2: "Possibly Damaging"; Align-GVGD: "Class C0"). This variant has not been reported in the literature in individuals affected with APC-related conditions. This variant is not present in population databases (gnomAD no frequency).